The following is an entry in ClinVar:

NM_001029883.3(PCARE):c.760C>G (p.Pro254Ala)

Gene: PCARE (photoreceptor cilium actin regulator; minus strand). Cytogenetic location: 2p23.2.
Variant type: single nucleotide variant.
Coding change: c.760C>G on transcript NM_001029883.3 (MANE Select); coding-DNA position 760, C replaced by G.
Protein change: p.Pro254Ala; replaces proline 254 with alanine.
Molecular consequence: missense variant.
Genome position (GRCh38, 1-based): chr2:29,073,502, G>C on the plus strand (C>G on the coding strand, the complement: PCARE is on the minus strand). VCF-style: chr2-29073502-G-C. GRCh37 (hg19) VCF-style: chr2-29296368-G-C.
Other names: c.760C>G (NM_001029883.1); short protein forms P254A.
Identifiers: ClinVar variation 1958369 (VCV001958369.7), dbSNP rs192023448, ClinGen allele CA1592577.

ClinVar aggregate classification (germline): Uncertain significance. Review status: criteria provided, multiple submitters, no conflicts (2 of 4 stars). 3 submissions from 3 submitters: Uncertain significance (3). Last evaluated 2024-01-16.

Conditions:
Inborn genetic diseases. Identifiers: MedGen C0950123, MeSH D030342.

gnomAD v4.1: 9 of 1,614,124 alleles (0.00056%); highest among the groups gnomAD compares: Non-Finnish European, 0.00076%; no homozygotes.

Submissions (3):

Blueprint Genetics
Classification: Uncertain significance. Last evaluated: 2024-01-16. Review status: criteria provided, single submitter. Criteria: ACMG Guidelines, 2015. Collection method: clinical testing. Allele origin: germline.

Labcorp Genetics (formerly Invitae), Labcorp
Classification: Uncertain significance. Last evaluated: 2022-07-19. Review status: criteria provided, single submitter. Criteria: Invitae Variant Classification Sherloc (09022015). Collection method: clinical testing. Allele origin: germline.
Comment: In summary, the available evidence is currently insufficient to determine the role of this variant in disease. Therefore, it has been classified as a Variant of Uncertain Significance. Algorithms developed to predict the effect of missense changes on protein structure and function (SIFT, PolyPhen-2, Align-GVGD) all suggest that this variant is likely to be disruptive. This variant has not been reported in the literature in individuals affected with PCARE-related conditions. This variant is present in population databases (rs192023448, gnomAD 0.007%). This sequence change replaces proline, which is neutral and non-polar, with alanine, which is neutral and non-polar, at codon 254 of the PCARE protein (p.Pro254Ala).

Ambry Genetics
Classification: Uncertain significance for Inborn genetic diseases. Last evaluated: 2021-08-23. Review status: criteria provided, single submitter. Criteria: Ambry Variant Classification Scheme 2023. Collection method: clinical testing. Allele origin: germline.